The following is an entry in ClinVar:

ClinVar aggregate classification (germline): Uncertain significance (1 of 4 stars; one submission).

Submission:

GeneDx
Classification: Uncertain significance. Last evaluated: 2022-11-30. Review status: criteria provided, single submitter. Criteria: GeneDx Variant Classification Process June 2021. Collection method: clinical testing. Allele origin: germline. Affected: yes.
Comment: Not observed at significant frequency in large population cohorts (gnomAD); In silico analysis supports that this missense variant has a deleterious effect on protein structure/function; Has not been previously published as pathogenic or benign to our knowledge

NM_004208.4(AIFM1):c.673G>A (p.Val225Met)

Genes: AIFM1 (apoptosis inducing factor mitochondria associated 1; minus strand), RAB33A (RAB33A, member RAS oncogene family; plus strand). Cytogenetic location: Xq26.1.
Variant type: single nucleotide variant.
Coding change: c.673G>A on transcript NM_004208.4 (MANE Select); coding-DNA position 673, G replaced by A.
Protein change: p.Val225Met; replaces valine 225 with methionine.
Molecular consequence: missense variant. On other transcripts: non-coding transcript variant (1).
Genome position (GRCh38, 1-based): chrX:130,145,502, C>T on the plus strand (G>A on the coding strand, the complement: AIFM1 is on the minus strand). VCF-style: chrX-130145502-C-T. GRCh37 (hg19) VCF-style: chrX-129279477-C-T.
Other names: c.673G>A, p.Val225Met (NM_001130847.4); c.661G>A, p.Val221Met (NM_145812.3); short protein forms V221M, V225M.
Identifiers: ClinVar variation 2504354 (VCV002504354.1), dbSNP rs2523140736, ClinGen allele CA414586633.